The following is an entry in ClinVar:

NM_003079.5(SMARCE1):c.674A>G (p.Gln225Arg)

Gene: SMARCE1 (SWI/SNF related BAF chromatin remodeling complex subunit E1; minus strand). Cytogenetic location: 17q21.2.
Variant type: single nucleotide variant.
Coding change: c.674A>G on transcript NM_003079.5 (MANE Select); coding-DNA position 674, A replaced by G.
Protein change: p.Gln225Arg; replaces glutamine 225 with arginine.
Molecular consequence: missense variant.
Genome position (GRCh38, 1-based): chr17:40,632,235, T>C on the plus strand (A>G on the coding strand, the complement: SMARCE1 is on the minus strand). VCF-style: chr17-40632235-T-C. GRCh37 (hg19) VCF-style: chr17-38788487-T-C.
Other names: short protein forms Q225R.
Identifiers: ClinVar variation 3621277 (VCV003621277.2).

ClinVar aggregate classification (germline): Uncertain significance (1 of 4 stars; one submission).

Conditions:
Familial meningioma. Also called: Meningioma, familial, susceptibility to. Identifiers: Orphanet 263662, MedGen C3551915, MONDO:0011789, OMIM 607174.

gnomAD v4.1: 1 of 1,613,784 alleles (0.000062%); highest among the groups gnomAD compares: East Asian, 0.0022%; no homozygotes.

Submission:

Labcorp Genetics (formerly Invitae), Labcorp
Classification: Uncertain significance for Familial meningioma. Last evaluated: 2024-08-27. Review status: criteria provided, single submitter. Criteria: Invitae Variant Classification Sherloc (09022015). Collection method: clinical testing. Allele origin: germline.
Comment: This sequence change replaces glutamine, which is neutral and polar, with arginine, which is basic and polar, at codon 225 of the SMARCE1 protein (p.Gln225Arg). This variant is not present in population databases (gnomAD no frequency). This variant has not been reported in the literature in individuals affected with SMARCE1-related conditions. Invitae Evidence Modeling of protein sequence and biophysical properties (such as structural, functional, and spatial information, amino acid conservation, physicochemical variation, residue mobility, and thermodynamic stability) indicates that this missense variant is expected to disrupt SMARCE1 protein function with a positive predictive value of 80%. In summary, the available evidence is currently insufficient to determine the role of this variant in disease. Therefore, it has been classified as a Variant of Uncertain Significance.